The following is an entry in ClinVar:

ClinVar aggregate classification (germline): Uncertain significance (1 of 4 stars; one submission).

Allele frequency attached by ClinVar (database versions not stated): ExAC 0.00001; gnomAD exomes 0.00001.
gnomAD v4.1: 7 of 1,613,284 alleles (0.00043%); highest among the groups gnomAD compares: South Asian, 0.0077%; no homozygotes.

Submission:

Labcorp Genetics (formerly Invitae), Labcorp
Classification: Uncertain significance. Last evaluated: 2022-09-28. Review status: criteria provided, single submitter. Criteria: Invitae Variant Classification Sherloc (09022015). Collection method: clinical testing. Allele origin: germline.
Comment: This sequence change replaces alanine, which is neutral and non-polar, with aspartic acid, which is acidic and polar, at codon 2019 of the POLE protein (p.Ala2019Asp). The frequency data for this variant in the population databases is considered unreliable, as metrics indicate poor data quality at this position in the gnomAD database. This variant has not been reported in the literature in individuals affected with POLE-related conditions. Advanced modeling of protein sequence and biophysical properties (such as structural, functional, and spatial information, amino acid conservation, physicochemical variation, residue mobility, and thermodynamic stability) performed at Invitae indicates that this missense variant is not expected to disrupt POLE protein function. In summary, the available evidence is currently insufficient to determine the role of this variant in disease. Therefore, it has been classified as a Variant of Uncertain Significance.

NM_006231.4(POLE):c.6056C>A (p.Ala2019Asp)

Gene: POLE (DNA polymerase epsilon, catalytic subunit; minus strand). Cytogenetic location: 12q24.33.
Variant type: single nucleotide variant.
Coding change: c.6056C>A on transcript NM_006231.4 (MANE Select); coding-DNA position 6056, C replaced by A.
Protein change: p.Ala2019Asp; replaces alanine 2019 with aspartic acid.
Molecular consequence: missense variant.
Genome position (GRCh38, 1-based): chr12:132,632,744, G>T on the plus strand (C>A on the coding strand, the complement: POLE is on the minus strand). VCF-style: chr12-132632744-G-T. GRCh37 (hg19) VCF-style: chr12-133209330-G-T.
Other names: short protein forms A2019D.
Identifiers: ClinVar variation 1912181 (VCV001912181.5), dbSNP rs777110041, ClinGen allele CA6892294.